The following is an entry in ClinVar:

ClinVar aggregate classification (germline): Uncertain significance (1 of 4 stars; one submission).

Conditions:
Symmetrical dyschromatosis of extremities (DSH). Also called: DYSCHROMATOSIS SYMMETRICA HEREDITARIA 1; RETICULATE ACROPIGMENTATION OF DOHI; SYMMETRIC DYSCHROMATOSIS OF THE EXTREMITIES; Dyschromatosis symmetrica hereditaria. Identifiers: Orphanet 41, MedGen C0406775, MONDO:0007483, OMIM 127400.
Aicardi-Goutieres syndrome 6 (AGS6). Identifiers: Orphanet 51, MedGen C3539013, MONDO:0014007, OMIM 615010.

Allele frequency attached by ClinVar (database versions not stated): gnomAD exomes below 0.00001.
gnomAD v4.1: 4 of 1,614,094 alleles (0.00025%); highest among the groups gnomAD compares: Non-Finnish European, 0.00034%; no homozygotes.

Submission:

Labcorp Genetics (formerly Invitae), Labcorp
Classification: Uncertain significance for Aicardi-Goutieres syndrome 6; Symmetrical dyschromatosis of extremities. Last evaluated: 2024-01-06. Review status: criteria provided, single submitter. Criteria: Invitae Variant Classification Sherloc (09022015). Collection method: clinical testing. Allele origin: germline.
Comment: This sequence change replaces phenylalanine, which is neutral and non-polar, with tyrosine, which is neutral and polar, at codon 769 of the ADAR protein (p.Phe769Tyr). This variant is not present in population databases (gnomAD no frequency). This variant has not been reported in the literature in individuals affected with ADAR-related conditions. Advanced modeling of protein sequence and biophysical properties (such as structural, functional, and spatial information, amino acid conservation, physicochemical variation, residue mobility, and thermodynamic stability) has been performed at Invitae for this missense variant, however the output from this modeling did not meet the statistical confidence thresholds required to predict the impact of this variant on ADAR protein function. In summary, the available evidence is currently insufficient to determine the role of this variant in disease. Therefore, it has been classified as a Variant of Uncertain Significance.

NM_001111.5(ADAR):c.2306T>A (p.Phe769Tyr)

Gene: ADAR (adenosine deaminase RNA specific; minus strand). Cytogenetic location: 1q21.3.
Variant type: single nucleotide variant.
Coding change: c.2306T>A on transcript NM_001111.5 (MANE Select); coding-DNA position 2306, T replaced by A.
Protein change: p.Phe769Tyr; replaces phenylalanine 769 with tyrosine.
Molecular consequence: missense variant.
Genome position (GRCh38, 1-based): chr1:154,590,374, A>T on the plus strand (T>A on the coding strand, the complement: ADAR is on the minus strand). VCF-style: chr1-154590374-A-T. GRCh37 (hg19) VCF-style: chr1-154562850-A-T.
Other names: c.2249T>A, p.Phe750Tyr (NM_015841.4); c.1421T>A, p.Phe474Tyr (NM_001025107.3, NM_001193495.2, NM_001365046.1 and 3 more transcripts); c.2333T>A, p.Phe778Tyr (NM_001365045.1); c.2306T>A, p.Phe769Tyr (NM_015840.4); short protein forms F750Y, F778Y, F474Y, F769Y.
Identifiers: ClinVar variation 2921999 (VCV002921999.3), dbSNP rs886045340, ClinGen allele CA342637543.